The following is an entry in ClinVar:

NM_002755.4(MAP2K1):c.811C>G (p.Leu271Val)

Gene: MAP2K1 (mitogen-activated protein kinase kinase 1; plus strand). Cytogenetic location: 15q22.31.
Variant type: single nucleotide variant.
Coding change: c.811C>G on transcript NM_002755.4 (MANE Select); coding-DNA position 811, C replaced by G.
Protein change: p.Leu271Val; replaces leucine 271 with valine.
Molecular consequence: missense variant.
Genome position (GRCh38, 1-based): chr15:66,485,107, C>G. VCF-style: chr15-66485107-C-G. GRCh37 (hg19) VCF-style: chr15-66777445-C-G.
Other names: c.667C>G, p.Leu223Val (NM_001411065.1); short protein forms L223V, L271V.
Identifiers: ClinVar variation 2892726 (VCV002892726.4), dbSNP rs1893006276, ClinGen allele CA392937265.

ClinVar aggregate classification (germline): Uncertain significance. Review status: criteria provided, multiple submitters, no conflicts (2 of 4 stars). 2 submissions from 2 submitters: Uncertain significance (2). Last evaluated 2025-12-11.

Conditions:
Cardiovascular phenotype. Identifiers: MedGen CN230736.
RASopathy. Also called: Noonan spectrum disorder; rasopathies. Identifiers: Orphanet 536391, MedGen C5555857, MONDO:0021060.

Allele frequency attached by ClinVar (database versions not stated): gnomAD 0.00001; TOPMed 0.00001.
gnomAD v4.1: 1 of 1,613,930 alleles (0.000062%); highest among the groups gnomAD compares: African/African-American, 0.0013%; no homozygotes.

Submissions (2):

Ambry Genetics
Classification: Uncertain significance for Cardiovascular phenotype. Last evaluated: 2025-12-11. Review status: criteria provided, single submitter. Criteria: Ambry Variant Classification Scheme 2023. Collection method: clinical testing. Allele origin: germline.
Comment: The p.L271V variant (also known as c.811C>G), located in coding exon 7 of the MAP2K1 gene, results from a C to G substitution at nucleotide position 811. The leucine at codon 271 is replaced by valine, an amino acid with highly similar properties. This amino acid position is conserved. In addition, the in silico prediction for this alteration is inconclusive. Based on the available evidence, the clinical significance of this variant remains unclear.

Labcorp Genetics (formerly Invitae), Labcorp
Classification: Uncertain significance for RASopathy. Last evaluated: 2024-12-20. Review status: criteria provided, single submitter. Criteria: Invitae Variant Classification Sherloc (09022015). Collection method: clinical testing. Allele origin: germline.
Comment: This sequence change replaces leucine, which is neutral and non-polar, with valine, which is neutral and non-polar, at codon 271 of the MAP2K1 protein (p.Leu271Val). This variant is not present in population databases (gnomAD no frequency). This variant has not been reported in the literature in individuals affected with MAP2K1-related conditions. ClinVar contains an entry for this variant (Variation ID: 2892726). Invitae Evidence Modeling of protein sequence and biophysical properties (such as structural, functional, and spatial information, amino acid conservation, physicochemical variation, residue mobility, and thermodynamic stability) has been performed for this missense variant. However, the output from this modeling did not meet the statistical confidence thresholds required to predict the impact of this variant on MAP2K1 protein function. In summary, the available evidence is currently insufficient to determine the role of this variant in disease. Therefore, it has been classified as a Variant of Uncertain Significance.